The following is an entry in ClinVar:

ClinVar aggregate classification (germline): Likely benign (1 of 4 stars; one submission).

Allele frequency attached by ClinVar (database versions not stated): ExAC 0.00033; gnomAD 0.00060; ESP Exome Variant Server 0.00068; TOPMed 0.00069; 1000 Genomes Project 30x 0.00125; 1000 Genomes Project 0.00140.
gnomAD v4.1: 353 of 1,614,100 alleles (0.022%); highest among the groups gnomAD compares: African/African-American, 0.19%; no homozygotes.

Submission:

CeGaT Center for Human Genetics Tuebingen
Classification: Likely benign. Last evaluated: 2025-02-01. Review status: criteria provided, single submitter. Criteria: CeGaT Center For Human Genetics Tuebingen Variant Classification Criteria Version 2. Collection method: clinical testing. Allele origin: germline. Affected: yes. Observed: 2 variant alleles.
Comment: TNS3: BS1

NM_022748.12(TNS3):c.4181G>A (p.Gly1394Asp)

Gene: TNS3 (tensin 3; minus strand). Cytogenetic location: 7p12.3.
Variant type: single nucleotide variant.
Coding change: c.4181G>A on transcript NM_022748.12 (MANE Select); coding-DNA position 4181, G replaced by A.
Protein change: p.Gly1394Asp; replaces glycine 1394 with aspartic acid.
Molecular consequence: missense variant.
Genome position (GRCh38, 1-based): chr7:47,280,176, C>T on the plus strand (G>A on the coding strand, the complement: TNS3 is on the minus strand). VCF-style: chr7-47280176-C-T. GRCh37 (hg19) VCF-style: chr7-47319774-C-T.
Other names: c.4523G>A, p.Gly1508Asp (NM_001410877.1); c.4490G>A, p.Gly1497Asp (NM_001410878.1); short protein forms G1394D, G1497D, G1508D.
Identifiers: ClinVar variation 2657451 (VCV002657451.24), dbSNP rs149017357, ClinGen allele CA4250035.
Genomic context (GRCh38, chr7:47,280,176, plus strand): 5'-GTACAACTGCAGACAAGGAGAGAATGTAAAGAAATCTCAGCAACTTACTTTGAGGAAGGG[C>T]CATCTTTGATCCACCTTGCAAATTAAAGAGAAAAACAGAGGTTAATTTTTTTAAACTAAA-3'
Protein context (NP_073585.8, residues 1384-1404): DPQDRKWIKD[Gly1394Asp]PSSKVFGFVA